The following is an entry in ClinVar:

ClinVar aggregate classification (germline): Uncertain significance (1 of 4 stars; one submission).

Allele frequency attached by ClinVar (database versions not stated): TOPMed below 0.00001.

Submission:

GeneDx
Classification: Uncertain significance. Last evaluated: 2022-01-20. Review status: criteria provided, single submitter. Criteria: GeneDx Variant Classification Process June 2021. Collection method: clinical testing. Allele origin: germline. Affected: yes.
Comment: Not observed at significant frequency in large population cohorts (gnomAD); Nonsense variant predicted to result in protein truncation or nonsense mediated decay in a gene for which loss-of-function is not a known mechanism of disease; Has not been previously published as pathogenic or benign to our knowledge

NM_006939.4(SOS2):c.3130C>T (p.Arg1044Ter)

Gene: SOS2 (SOS Ras/Rho guanine nucleotide exchange factor 2; minus strand). Cytogenetic location: 14q21.3.
Variant type: single nucleotide variant.
Coding change: c.3130C>T on transcript NM_006939.4 (MANE Select); coding-DNA position 3130, C replaced by T.
Protein change: p.Arg1044Ter; replaces arginine 1044 with a stop codon.
Molecular consequence: nonsense.
Genome position (GRCh38, 1-based): chr14:50,130,708, G>A on the plus strand (C>T on the coding strand, the complement: SOS2 is on the minus strand). VCF-style: chr14-50130708-G-A. GRCh37 (hg19) VCF-style: chr14-50597426-G-A.
Other names: short protein forms R1044*.
Identifiers: ClinVar variation 1698164 (VCV001698164.2), dbSNP rs1178530624, ClinGen allele CA389640926.